The following is an entry in ClinVar:

ClinVar aggregate classification (germline): Likely benign (1 of 4 stars; one submission).

Allele frequency attached by ClinVar (database versions not stated): gnomAD 0.00458 and 0.00481; TOPMed 0.00507; 1000 Genomes Project 30x 0.00547; 1000 Genomes Project 0.00579.
gnomAD v4.1: 682 of 150,314 alleles (0.45%); highest among the groups gnomAD compares: African/African-American, 1.4%; 3 homozygotes.

Submission:

GeneDx
Classification: Likely benign. Last evaluated: 2018-06-19. Review status: criteria provided, single submitter. Criteria: GeneDx Variant Classification (06012015). Collection method: clinical testing. Allele origin: germline. Affected: yes.
Comment: This variant is considered likely benign or benign based on one or more of the following criteria: it is a conservative change, it occurs at a poorly conserved position in the protein, it is predicted to be benign by multiple in silico algorithms, and/or has population frequency not consistent with disease.

NM_000540.3(RYR1):c.13660-263C>T

Gene: RYR1 (ryanodine receptor 1; plus strand). Cytogenetic location: 19q13.2.
Variant type: single nucleotide variant.
Coding change: c.13660-263C>T on transcript NM_000540.3 (MANE Select); 263 bases into the intron before coding-DNA position 13660, C replaced by T.
Molecular consequence: intron variant.
Genome position (GRCh38, 1-based): chr19:38,570,344, C>T. VCF-style: chr19-38570344-C-T. GRCh37 (hg19) VCF-style: chr19-39060984-C-T.
Other names: c.13645-263C>T (NM_001042723.2).
Identifiers: ClinVar variation 674209 (VCV000674209.1), dbSNP rs140915822, ClinGen allele CA308112888.